The following is an entry in ClinVar:

NM_000170.3(GLDC):c.2387C>T (p.Pro796Leu)

Gene: GLDC (glycine decarboxylase; minus strand). Cytogenetic location: 9p24.1.
Variant type: single nucleotide variant.
Coding change: c.2387C>T on transcript NM_000170.3 (MANE Select); coding-DNA position 2387, C replaced by T.
Protein change: p.Pro796Leu; replaces proline 796 with leucine.
Molecular consequence: missense variant.
Genome position (GRCh38, 1-based): chr9:6,553,438, G>A on the plus strand (C>T on the coding strand, the complement: GLDC is on the minus strand). VCF-style: chr9-6553438-G-A. GRCh37 (hg19) VCF-style: chr9-6553438-G-A.
Other names: short protein forms P796L.
Identifiers: ClinVar variation 1353748 (VCV001353748.5), dbSNP rs975247366, ClinGen allele CA188649875.

ClinVar aggregate classification (germline): Uncertain significance (1 of 4 stars; one submission).

Conditions:
Glycine encephalopathy. Also called: Non-ketotic hyperglycinemia; Nonketotic hyperglycinemia. Identifiers: Orphanet 407, MedGen C0751748, MONDO:0011612, HP:0008288.

Allele frequency attached by ClinVar (database versions not stated): TOPMed 0.00002; gnomAD 0.00003.

Submission:

Labcorp Genetics (formerly Invitae), Labcorp
Classification: Uncertain significance for Glycine encephalopathy. Last evaluated: 2022-07-05. Review status: criteria provided, single submitter. Criteria: Invitae Variant Classification Sherloc (09022015). Collection method: clinical testing. Allele origin: germline.
Comment: This sequence change replaces proline, which is neutral and non-polar, with leucine, which is neutral and non-polar, at codon 796 of the GLDC protein (p.Pro796Leu). This variant is present in population databases (no rsID available, gnomAD 0.01%). This variant has not been reported in the literature in individuals affected with GLDC-related conditions. ClinVar contains an entry for this variant (Variation ID: 1353748). Advanced modeling of protein sequence and biophysical properties (such as structural, functional, and spatial information, amino acid conservation, physicochemical variation, residue mobility, and thermodynamic stability) performed at Invitae indicates that this missense variant is not expected to disrupt GLDC protein function. In summary, the available evidence is currently insufficient to determine the role of this variant in disease. Therefore, it has been classified as a Variant of Uncertain Significance.